The following is an entry in ClinVar:

ClinVar aggregate classification (germline): Pathogenic/Likely pathogenic. Review status: criteria provided, multiple submitters, no conflicts (2 of 4 stars). 7 submissions from 7 submitters: Pathogenic (4); Likely pathogenic (1). 2 of the submissions do not count toward it. Last evaluated 2024-12-24.

Conditions:
Hereditary factor VIII deficiency disease (HEMA). Also called: HEMOPHILIA, CLASSIC; Hemophilia A; Hemophilia A, congenital; HEM A; Factor 8 deficiency, congenital; AUTOSOMAL HEMOPHILIA A. Identifiers: Orphanet 98878, MedGen C0019069, MONDO:0010602, OMIM 306700.

Submissions (7):

Women's Health and Genetics/Laboratory Corporation of America, LabCorp
Classification: Pathogenic for Hereditary factor VIII deficiency disease. Last evaluated: 2024-12-24. Review status: criteria provided, single submitter. Criteria: LabCorp Variant Classification Summary - May 2015. Collection method: clinical testing. Allele origin: germline.
Comment: Variant summary: F8 c.4379delA (p.Asn1460IlefsX5) results in a premature termination codon, predicted to cause absence of the protein due to nonsense mediated decay, which is a commonly known mechanism for disease. The frequency data for this variant in gnomAD is considered unreliable, as metrics indicate poor data quality at this position. c.4379delA has been reported in the literature in individuals affected with Hemophilia (example, Miller_2011). These data indicate that the variant may be associated with disease. To our knowledge, no experimental evidence demonstrating an impact on protein function has been reported. The following publication has been ascertained in the context of this evaluation (PMID: 22103590). ClinVar contains an entry for this variant (Variation ID: 10261). Based on the evidence outlined above, the variant was classified as pathogenic.

Genomic Medicine Center of Excellence, King Faisal Specialist Hospital and Research Centre
Classification: Likely pathogenic for Hereditary factor VIII deficiency disease. Last evaluated: 2024-04-04. Review status: criteria provided, single submitter. Criteria: ACMG Guidelines, 2015. Collection method: clinical testing. Allele origin: germline.

3billion
Classification: Pathogenic for Hereditary factor VIII deficiency disease. Last evaluated: 2023-02-23. Review status: criteria provided, single submitter. Criteria: ACMG Guidelines, 2015. Collection method: clinical testing. Allele origin: unknown. Affected: yes.
Comment: The variant is observed at an extremely low frequency in the gnomAD v2.1.1 dataset (total allele frequency: <0.001%). This variant was predicted to result in a loss or disruption of normal protein function through nonsense-mediated decay (NMD) or protein truncation. Multiple pathogenic variants are reported downstream of the variant. The variant has been reported at least twice as pathogenic with clinical assertions and evidence for the classification (ClinVar ID: VCV000010261 / PMID: 1923751). Therefore, this variant is classified as Pathogenic according to the recommendation of ACMG/AMP guideline.

ARUP Laboratories, Molecular Genetics and Genomics, ARUP Laboratories
Classification: Pathogenic for Hereditary factor VIII deficiency disease. Last evaluated: 2021-10-02. Review status: criteria provided, single submitter. Criteria: ARUP Molecular Germline Variant Investigation Process 2021. Collection method: clinical testing. Allele origin: germline.
Comment: The F8 c.4379delA; p.Asn1460IlefsTer5 variant (rs387906455) also reported as c.4550delA; p.Asn1441IlefsTer5, is reported in multiple patients with severe hemophilia A (Naylor 1993, Tuddenham 1991, Wang 2010, Factor VIII variant database). This variant is also reported in ClinVar (Variation ID: 10261). It is only observed on two alleles in the Genome Aggregation Database, indicating it is not a common polymorphism. This variant causes a frameshift by deleting a single nucleotide, so it is predicted to result in a truncated protein or mRNA subject to nonsense-mediated decay. Based on available information, this variant is considered to be pathogenic. References: Factor VIII variant database: Naylor J et al. Characteristic mRNA abnormality found in half the patients with severe haemophilia A is due to large DNA inversions. Hum Mol Genet. 1993; 2(11):1773-8. Tuddenham EG et al. Haemophilia A: database of nucleotide substitutions, deletions, insertions and rearrangements of the factor VIII gene. Nucleic Acids Res. 1991; 19(18):4821-33. Wang X et al. The prevalence of factor VIII inhibitors and genetic aspects of inhibitor development in Chinese patients with haemophilia A. Haemophilia. 2010; 16(4):632-9.

Mendelics
Classification: Pathogenic for Hereditary factor VIII deficiency disease. Last evaluated: 2019-05-28. Review status: criteria provided, single submitter. Criteria: Mendelics Assertion Criteria 2017. Collection method: clinical testing. Allele origin: unknown.

OMIM
Classification: Pathogenic for HEMOPHILIA A. Last evaluated: 1993-11-01. Review status: no assertion criteria provided. Collection method: literature only. Allele origin: germline. Not counted in ClinVar's aggregate classification.

Pele Pequeno Principe Research Institute, Faculdades Pequeno Principe
Classification: Pathogenic for Hereditary factor VIII deficiency disease. Review status: no assertion criteria provided. Collection method: clinical testing. Allele origin: unknown. Inheritance: X-linked recessive inheritance. Affected: yes. Observed: 1 hemizygote. Not counted in ClinVar's aggregate classification.

Literature cited by the submitters: PubMed 22103590 (cited by Women's Health and Genetics/Laboratory Corporation of America, LabCorp); PubMed 1923751 (cited by 3billion); PubMed 1924291 (cited by OMIM); PubMed 8281136 (cited by OMIM).

NM_000132.4(F8):c.4379del (p.Asn1460fs)

Gene: F8 (coagulation factor VIII; minus strand). Cytogenetic location: Xq28.
Variant type: Deletion.
Coding change: c.4379del on transcript NM_000132.4 (MANE Select); coding-DNA position 4379, one base deleted (A; older notation c.4379delA).
Protein change: p.Asn1460fs; shifts the reading frame from asparagine 1460.
Molecular consequence: frameshift variant.
Genome position (GRCh38, 1-based): chrX:154,929,411, T deleted on the plus strand (A on the coding strand, the reverse complement: F8 is on the minus strand); the first of 8 consecutive T bases (chrX:154,929,411-154,929,418); deleting any one gives the same sequence. VCF-style (leftmost placement, unchanged base first): chrX-154929410-AT-A. GRCh37 (hg19) VCF-style: chrX-154157685-AT-A.
Other names: F8, 1-BP DEL, FS; c.4379delA (NM_000132.3, NM_000132.4); short protein forms N1460fs.
Identifiers: ClinVar variation 10261 (VCV000010261.15), dbSNP rs387906455, ClinGen allele CA255151.